The following is an entry in ClinVar:

NM_003664.5(AP3B1):c.1526G>A (p.Arg509Gln)

Gene: AP3B1 (adaptor related protein complex 3 subunit beta 1; minus strand). Cytogenetic location: 5q14.1.
Variant type: single nucleotide variant.
Coding change: c.1526G>A on transcript NM_003664.5 (MANE Select); coding-DNA position 1526, G replaced by A.
Protein change: p.Arg509Gln; replaces arginine 509 with glutamine.
Molecular consequence: missense variant.
Genome position (GRCh38, 1-based): chr5:78,141,267, C>T on the plus strand (G>A on the coding strand, the complement: AP3B1 is on the minus strand). VCF-style: chr5-78141267-C-T. GRCh37 (hg19) VCF-style: chr5-77437091-C-T.
Other names: c.1379G>A, p.Arg460Gln (NM_001271769.2); short protein forms R509Q, R460Q.
Identifiers: ClinVar variation 161617 (VCV000161617.8), dbSNP rs193920974, ClinGen allele CA174461.

ClinVar aggregate classification (germline): Uncertain significance. Review status: criteria provided, multiple submitters, no conflicts (2 of 4 stars). 3 submissions from 3 submitters: Uncertain significance (2). 1 of the submissions does not count toward it. Last evaluated 2025-03-24.

Conditions:
Inborn genetic diseases. Identifiers: MedGen C0950123, MeSH D030342.
Prostate cancer. Also called: Malignant tumor of prostate. Identifiers: Orphanet 1331, MedGen C0376358, MONDO:0008315, HP:0012125.
Hermansky-Pudlak syndrome 2 (HPS2). Also called: Platelet defects and oculocutaneous albinism. Identifiers: Orphanet 183678, Orphanet 79430, MedGen C1842362, MONDO:0011997, OMIM 608233.

Allele frequency attached by ClinVar (database versions not stated): gnomAD exomes 0.00001; ESP Exome Variant Server 0.00008.
gnomAD v4.1: 3 of 1,613,702 alleles (0.00019%); highest among the groups gnomAD compares: African/African-American, 0.0013%; no homozygotes.

Submissions (3):

Ambry Genetics
Classification: Uncertain significance for Inborn genetic diseases. Last evaluated: 2025-03-24. Review status: criteria provided, single submitter. Criteria: Ambry Variant Classification Scheme 2023. Collection method: clinical testing. Allele origin: germline.

Labcorp Genetics (formerly Invitae), Labcorp
Classification: Uncertain significance for Hermansky-Pudlak syndrome 2. Last evaluated: 2024-11-18. Review status: criteria provided, single submitter. Criteria: Invitae Variant Classification Sherloc (09022015). Collection method: clinical testing. Allele origin: germline.
Comment: This sequence change replaces arginine, which is basic and polar, with glutamine, which is neutral and polar, at codon 509 of the AP3B1 protein (p.Arg509Gln). This variant is present in population databases (rs193920974, gnomAD 0.01%). This variant has not been reported in the literature in individuals affected with AP3B1-related conditions. ClinVar contains an entry for this variant (Variation ID: 161617). An algorithm developed to predict the effect of missense changes on protein structure and function (PolyPhen-2) suggests that this variant is likely to be tolerated. In summary, the available evidence is currently insufficient to determine the role of this variant in disease. Therefore, it has been classified as a Variant of Uncertain Significance.

Science for Life laboratory,  Karolinska Institutet
Classification: Uncertain significance for Malignant tumor of prostate. Review status: no assertion criteria provided. Collection method: not provided. Allele origin: somatic. Not counted in ClinVar's aggregate classification.
Comment: TumorID:SWE-3
ClinVar note: Converted during submission from Unknown to Uncertain significance.